The following is an entry in ClinVar:

ClinVar aggregate classification (germline): Uncertain significance (1 of 4 stars; one submission).

Conditions:
Costello syndrome (CSTLO). Also called: FACIOCUTANEOSKELETAL SYNDROME; FCS SYNDROME; HRAS-Related Costello Syndrome. Identifiers: Orphanet 3071, MedGen C0587248, MONDO:0009026, OMIM 218040.

Submission:

Labcorp Genetics (formerly Invitae), Labcorp
Classification: Uncertain significance for Costello syndrome. Last evaluated: 2024-11-04. Review status: criteria provided, single submitter. Criteria: Invitae Variant Classification Sherloc (09022015). Collection method: clinical testing. Allele origin: germline.
Comment: This sequence change replaces glutamic acid, which is acidic and polar, with glycine, which is neutral and non-polar, at codon 126 of the HRAS protein (p.Glu126Gly). This variant is not present in population databases (gnomAD no frequency). This variant has not been reported in the literature in individuals affected with HRAS-related conditions. Invitae Evidence Modeling of protein sequence and biophysical properties (such as structural, functional, and spatial information, amino acid conservation, physicochemical variation, residue mobility, and thermodynamic stability) has been performed for this missense variant. However, the output from this modeling did not meet the statistical confidence thresholds required to predict the impact of this variant on HRAS protein function. In summary, the available evidence is currently insufficient to determine the role of this variant in disease. Therefore, it has been classified as a Variant of Uncertain Significance.

NM_005343.4(HRAS):c.377A>G (p.Glu126Gly)

Genes: HRAS (HRas proto-oncogene, GTPase; minus strand), LRRC56 (leucine rich repeat containing 56; plus strand). Cytogenetic location: 11p15.5.
Variant type: single nucleotide variant.
Coding change: c.377A>G on transcript NM_005343.4 (MANE Select); coding-DNA position 377, A replaced by G.
Protein change: p.Glu126Gly; replaces glutamic acid 126 with glycine.
Molecular consequence: missense variant.
Genome position (GRCh38, 1-based): chr11:533,526, T>C on the plus strand (A>G on the coding strand, the complement: HRAS is on the minus strand). VCF-style: chr11-533526-T-C. GRCh37 (hg19) VCF-style: chr11-533526-T-C.
Other names: c.377A>G, p.Glu126Gly (NM_001130442.3, NM_176795.5); c.58A>G, p.Asn20Asp (NM_001318054.2); short protein forms N20D, E126G.
Identifiers: ClinVar variation 3637851 (VCV003637851.2).